The following is an entry in ClinVar:

NM_005633.4(SOS1):c.720T>C (p.Asn240=)

Gene: SOS1 (SOS Ras/Rac guanine nucleotide exchange factor 1; minus strand). Cytogenetic location: 2p22.1.
Variant type: single nucleotide variant.
Coding change: c.720T>C on transcript NM_005633.4 (MANE Select); coding-DNA position 720, T replaced by C.
Protein change: p.Asn240=; no amino-acid change (asparagine 240 retained).
Molecular consequence: synonymous variant.
Genome position (GRCh38, 1-based): chr2:39,054,614, A>G on the plus strand (T>C on the coding strand, the complement: SOS1 is on the minus strand). VCF-style: chr2-39054614-A-G. GRCh37 (hg19) VCF-style: chr2-39281755-A-G.
Other names: c.699T>C, p.Asn233= (NM_001382394.1); c.720T>C, p.Asn240= (NM_001382395.1).
Identifiers: ClinVar variation 496311 (VCV000496311.9), dbSNP rs779699814, ClinGen allele CA1624745.
Genomic context (GRCh38, chr2:39,054,614, plus strand): 5'-AAGTGGTCATGCAAATTTCACAACACATTCAATGAGAGGCATATATACAATGATACTTAC[A>G]TTAGCTGAAAACAATTTTGAATTGGAGACAAAGGGCTCTCTAAAAACTTTTATAATTAGA-3'
Protein context (NP_005624.2, residues 230-250): FVSNSKLFSA[Asn240=]DVENIFSRIV

ClinVar aggregate classification (germline): Conflicting classifications of pathogenicity. Review status: criteria provided, conflicting classifications (1 of 4 stars). 5 submissions from 4 submitters: Uncertain significance (4); Likely benign (1). Last evaluated 2026-03-25.

Conditions:
Cardiovascular phenotype. Identifiers: MedGen CN230736.
RASopathy. Also called: rasopathies; Noonan spectrum disorder. Identifiers: Orphanet 536391, MedGen C5555857, MONDO:0021060.
Fibromatosis, gingival, 1 (GINGF1). Identifiers: Orphanet 2024, MedGen C4551558, MONDO:0007609, OMIM 135300.
Noonan syndrome 4 (NS4). Also called: NOONAN SYNDROME WITH PIGMENTED VILLONODULAR SYNOVITIS; SOS1-Related Noonan Syndrome. Identifiers: Orphanet 648, MedGen C1853120, MONDO:0012547, OMIM 610733.

Allele frequency attached by ClinVar (database versions not stated): TOPMed below 0.00001; ExAC 0.00001.
gnomAD v4.1: 5 of 1,524,074 alleles (0.00033%); highest among the groups gnomAD compares: Admixed American, 0.0017%; no homozygotes.

Submissions (5):

Ambry Genetics
Classification: Likely benign for Cardiovascular phenotype. Last evaluated: 2026-03-25. Review status: criteria provided, single submitter. Criteria: Ambry Variant Classification Scheme 2023. Collection method: clinical testing. Allele origin: germline.

Women's Health and Genetics/Laboratory Corporation of America, LabCorp
Classification: Uncertain significance. Last evaluated: 2024-08-12. Review status: criteria provided, single submitter. Criteria: LabCorp Variant Classification Summary - May 2015. Collection method: clinical testing. Allele origin: germline.
Comment: Variant summary: SOS1 c.720T>C (p.Asn240Asn) alters a conserved nucleotide located close to a canonical splice site and therefore could affect mRNA splicing, leading to a significantly altered protein sequence. Consensus agreement among computation tools predict no significant impact on normal splicing. However, these predictions have yet to be confirmed by functional studies. The variant allele was found at a frequency of 4e-06 in 250390 control chromosomes. The available data on variant occurrences in the general population are insufficient to allow any conclusion about variant significance. c.720T>C has been reported in the literature in individuals in the context of Noonan Syndrome And Related Conditions (Leach_2019). These report(s) do not provide unequivocal conclusions about association of the variant with Noonan Syndrome And Related Conditions. To our knowledge, no experimental evidence demonstrating an impact on protein function has been reported. The following publication have been ascertained in the context of this evaluation (PMID: 29907801). ClinVar contains an entry for this variant (Variation ID: 496311). Based on the evidence outlined above, the variant was classified as uncertain significance.

Labcorp Genetics (formerly Invitae), Labcorp
Classification: Uncertain significance for RASopathy. Last evaluated: 2024-05-09. Review status: criteria provided, single submitter. Criteria: Invitae Variant Classification Sherloc (09022015). Collection method: clinical testing. Allele origin: germline.
Comment: This sequence change affects codon 240 of the SOS1 mRNA. It is a 'silent' change, meaning that it does not change the encoded amino acid sequence of the SOS1 protein. It affects a nucleotide within the consensus splice site. This variant is present in population databases (rs779699814, gnomAD 0.003%). This variant has been observed in individual(s) with clinical features of noonan syndrome and related conditions (PMID: 29907801). ClinVar contains an entry for this variant (Variation ID: 496311). Algorithms developed to predict the effect of sequence changes on RNA splicing suggest that this variant is not likely to affect RNA splicing. In summary, the available evidence is currently insufficient to determine the role of this variant in disease. Therefore, it has been classified as a Variant of Uncertain Significance.

Genome-Nilou Lab
Classification: Uncertain significance for Noonan syndrome 4. Review status: criteria provided, single submitter. Criteria: ACMG Guidelines, 2015. Collection method: clinical testing. Allele origin: germline.

Genome-Nilou Lab
Classification: Uncertain significance for Fibromatosis, gingival, 1. Review status: criteria provided, single submitter. Criteria: ACMG Guidelines, 2015. Collection method: clinical testing. Allele origin: germline.

Literature cited by the submitters: PubMed 29907801 (cited by Women's Health and Genetics/Laboratory Corporation of America, LabCorp and Labcorp Genetics (formerly Invitae), Labcorp).